The following is an entry in ClinVar:

NM_002335.4(LRP5):c.3284G>A (p.Arg1095His)

Gene: LRP5 (LDL receptor related protein 5; plus strand). Cytogenetic location: 11q13.2.
Variant type: single nucleotide variant.
Coding change: c.3284G>A on transcript NM_002335.4 (MANE Select); coding-DNA position 3284, G replaced by A.
Protein change: p.Arg1095His; replaces arginine 1095 with histidine.
Molecular consequence: missense variant.
Genome position (GRCh38, 1-based): chr11:68,425,149, G>A. VCF-style: chr11-68425149-G-A. GRCh37 (hg19) VCF-style: chr11-68192617-G-A.
Other names: c.1541G>A, p.Arg514His (NM_001291902.2); short protein forms R1095H, R514H.
Identifiers: ClinVar variation 2789429 (VCV002789429.3), dbSNP rs1464009487, ClinGen allele CA381621371.

ClinVar aggregate classification (germline): Uncertain significance (1 of 4 stars; one submission).

Allele frequency attached by ClinVar (database versions not stated): gnomAD exomes below 0.00001; TOPMed below 0.00001.
gnomAD v4.1: 6 of 1,613,792 alleles (0.00037%); highest among the groups gnomAD compares: South Asian, 0.0011%; no homozygotes.

Submission:

Labcorp Genetics (formerly Invitae), Labcorp
Classification: Uncertain significance. Last evaluated: 2025-01-31. Review status: criteria provided, single submitter. Criteria: Invitae Variant Classification Sherloc (09022015). Collection method: clinical testing. Allele origin: germline.
Comment: This sequence change replaces arginine, which is basic and polar, with histidine, which is basic and polar, at codon 1095 of the LRP5 protein (p.Arg1095His). This variant is not present in population databases (gnomAD no frequency). This variant has not been reported in the literature in individuals affected with LRP5-related conditions. ClinVar contains an entry for this variant (Variation ID: 2789429). Invitae Evidence Modeling of protein sequence and biophysical properties (such as structural, functional, and spatial information, amino acid conservation, physicochemical variation, residue mobility, and thermodynamic stability) has been performed for this missense variant. However, the output from this modeling did not meet the statistical confidence thresholds required to predict the impact of this variant on LRP5 protein function. In summary, the available evidence is currently insufficient to determine the role of this variant in disease. Therefore, it has been classified as a Variant of Uncertain Significance.